The following is an entry in ClinVar:

ClinVar aggregate classification (germline): Uncertain significance. Review status: criteria provided, single submitter (1 of 4 stars). 2 submissions from 2 submitters: Uncertain significance (1). 1 of the submissions does not count toward it. Last evaluated 2025-08-06.

Conditions:
USP54-related disorder. Also called: USP54-related condition.

Allele frequency attached by ClinVar (database versions not stated): gnomAD exomes 0.00013; ExAC 0.00043; TOPMed 0.00114; ESP Exome Variant Server 0.00131; gnomAD 0.00138; 1000 Genomes Project 0.00260; 1000 Genomes Project 30x 0.00281.
gnomAD v4.1: 395 of 1,599,168 alleles (0.025%); highest among the groups gnomAD compares: African/African-American, 0.38%; 1 homozygote.

Submissions (2):

Ambry Genetics
Classification: Uncertain significance. Last evaluated: 2025-08-06. Review status: criteria provided, single submitter. Criteria: Ambry Variant Classification Scheme 2023. Collection method: clinical testing. Allele origin: germline.

PreventionGenetics, part of Exact Sciences
Classification: Likely benign for USP54-related condition. Last evaluated: 2022-05-23. Review status: no assertion criteria provided. Collection method: clinical testing. Allele origin: germline. Not counted in ClinVar's aggregate classification.
Comment: This variant is classified as likely benign based on ACMG/AMP sequence variant interpretation guidelines (Richards et al. 2015 PMID: 25741868, with internal and published modifications).

NM_001391956.1(USP54):c.4351C>T (p.Arg1451Cys)

Genes: PPP3CB-AS1 (PPP3CB antisense RNA 1; plus strand), USP54 (ubiquitin specific peptidase 54; minus strand). Cytogenetic location: 10q22.2.
Variant type: single nucleotide variant.
Coding change: c.4351C>T on transcript NM_001391956.1 (MANE Select); coding-DNA position 4351, C replaced by T.
Protein change: p.Arg1451Cys; replaces arginine 1451 with cysteine.
Molecular consequence: missense variant. On other transcripts: non-coding transcript variant (6).
Genome position (GRCh38, 1-based): chr10:73,500,799, G>A on the plus strand (C>T on the coding strand, the complement: USP54 is on the minus strand). VCF-style: chr10-73500799-G-A. GRCh37 (hg19) VCF-style: chr10-75260557-G-A.
Other names: c.4165C>T, p.Arg1389Cys (NM_001320437.2); c.4060C>T, p.Arg1354Cys (NM_001350995.2, NM_001391942.1); c.4180C>T, p.Arg1394Cys (NM_001378208.1, NM_001378209.1, NM_001378210.1 and 5 more transcripts); c.4417C>T, p.Arg1473Cys (NM_001391941.1); c.4039C>T, p.Arg1347Cys (NM_001391947.1, NM_001391950.1); c.4210C>T, p.Arg1404Cys (NM_001391949.1, NM_001391952.1); c.3901C>T, p.Arg1301Cys (NM_001391951.1); c.4351C>T, p.Arg1451Cys (NM_001391953.1, NM_152586.4); short protein forms R1301C, R1347C, R1354C, R1389C, R1394C, R1404C, R1451C, R1473C.
Identifiers: ClinVar variation 3038467 (VCV003038467.3), dbSNP rs138141992, ClinGen allele CA5555882.